The following is an entry in ClinVar:

NM_144596.4(TTC8):c.964G>A (p.Asp322Asn)

Gene: TTC8 (tetratricopeptide repeat domain 8; plus strand). Cytogenetic location: 14q31.3.
Variant type: single nucleotide variant.
Coding change: c.964G>A on transcript NM_144596.4 (MANE Select); coding-DNA position 964, G replaced by A.
Protein change: p.Asp322Asn; replaces aspartic acid 322 with asparagine.
Molecular consequence: missense variant. On other transcripts: non-coding transcript variant (1).
Genome position (GRCh38, 1-based): chr14:88,870,113, G>A. VCF-style: chr14-88870113-G-A. GRCh37 (hg19) VCF-style: chr14-89336457-G-A.
Other names: c.1012G>A, p.Asp338Asn (NM_001288781.1); c.370G>A, p.Asp124Asn (NM_001288782.1); c.247G>A, p.Asp83Asn (NM_001288783.1); c.934G>A, p.Asp312Asn (NM_001366535.2, NM_198309.3); c.844G>A, p.Asp282Asn (NM_001366536.2, NM_198310.3); c.964G>A (NM_144596.3); c.934G>A (NM_198309.2); short protein forms D312N, D322N, D338N, D124N, D282N, D83N.
Identifiers: ClinVar variation 1514858 (VCV001514858.10), dbSNP rs2094927630, ClinGen allele CA390549552.

ClinVar aggregate classification (germline): Uncertain significance. Review status: criteria provided, multiple submitters, no conflicts (2 of 4 stars). 5 submissions from 5 submitters: Uncertain significance (4). 1 of the submissions does not count toward it. Last evaluated 2025-11-26.

Conditions:
Bardet-Biedl syndrome 8 (BBS8). Identifiers: Orphanet 110, MedGen C1859566, MONDO:0014436, OMIM 615985.
Retinitis pigmentosa 51 (RP51). Identifiers: Orphanet 791, MedGen C3150715, MONDO:0013274, OMIM 613464.
TTC8-related disorder. Also called: TTC8-related condition.
Bardet-Biedl syndrome (BBS). Identifiers: Orphanet 110, MedGen C0752166, MONDO:0015229.
Inborn genetic diseases. Identifiers: MedGen C0950123, MeSH D030342.

Allele frequency attached by ClinVar (database versions not stated): gnomAD exomes below 0.00001; TOPMed below 0.00001.
gnomAD v4.1: 4 of 1,614,010 alleles (0.00025%); highest among the groups gnomAD compares: Non-Finnish European, 0.00034%; no homozygotes.

Submissions (5):

Ambry Genetics
Classification: Uncertain significance for Inborn genetic diseases. Last evaluated: 2025-11-26. Review status: criteria provided, single submitter. Criteria: Ambry Variant Classification Scheme 2023. Collection method: clinical testing. Allele origin: germline.

Fulgent Genetics
Classification: Uncertain significance for Retinitis pigmentosa 51; Bardet-Biedl syndrome 8. Last evaluated: 2024-01-31. Review status: criteria provided, single submitter. Criteria: ACMG Guidelines, 2015. Collection method: clinical testing. Allele origin: germline.

Labcorp Genetics (formerly Invitae), Labcorp
Classification: Uncertain significance for Bardet-Biedl syndrome. Last evaluated: 2022-07-09. Review status: criteria provided, single submitter. Criteria: Invitae Variant Classification Sherloc (09022015). Collection method: clinical testing. Allele origin: germline.
Comment: In summary, the available evidence is currently insufficient to determine the role of this variant in disease. Therefore, it has been classified as a Variant of Uncertain Significance. Algorithms developed to predict the effect of sequence changes on RNA splicing suggest that this variant may disrupt the consensus splice site. Algorithms developed to predict the effect of missense changes on protein structure and function are either unavailable or do not agree on the potential impact of this missense change (SIFT: "Tolerated"; PolyPhen-2: "Possibly Damaging"; Align-GVGD: "Class C0"). ClinVar contains an entry for this variant (Variation ID: 1514858). This variant has not been reported in the literature in individuals affected with TTC8-related conditions. This variant is not present in population databases (gnomAD no frequency). This sequence change replaces aspartic acid, which is acidic and polar, with asparagine, which is neutral and polar, at codon 312 of the TTC8 protein (p.Asp312Asn).

Blueprint Genetics
Classification: Uncertain significance. Last evaluated: 2019-06-18. Review status: criteria provided, single submitter. Criteria: ACMG Guidelines, 2015. Collection method: clinical testing. Allele origin: germline.

PreventionGenetics, part of Exact Sciences
Classification: Uncertain significance for TTC8-related condition. Last evaluated: 2024-07-09. Review status: no assertion criteria provided. Collection method: clinical testing. Allele origin: germline. Not counted in ClinVar's aggregate classification.
Comment: The TTC8 c.964G>A variant is predicted to result in the amino acid substitution p.Asp322Asn. To our knowledge, this variant has not been reported in the literature or in a large population database, indicating this variant is rare. At this time, the clinical significance of this variant is uncertain due to the absence of conclusive functional and genetic evidence.